The following is an entry in ClinVar:

ClinVar aggregate classification (germline): Likely pathogenic (1 of 4 stars; one submission).

Conditions:
Osteoporosis. Identifiers: MedGen C0029456, MONDO:0005298, OMIM 166710, HP:0000939.
Ehlers-Danlos syndrome, cardiac valvular type. Identifiers: Orphanet 230851, MedGen C4303789, MONDO:0009159, OMIM 225320.
Combined osteogenesis imperfecta and Ehlers-Danlos syndrome 2. Also called: OIEDS SYNDROME 2. Identifiers: MedGen C5436847, MONDO:0030855, OMIM 619120.
Osteogenesis imperfecta with normal sclerae, dominant form (OI4). Also called: OSTEOGENESIS IMPERFECTA WITH NORMAL SCLERAE; OSTEOGENESIS IMPERFECTA, TYPE IV, WITH DENTINOGENESIS IMPERFECTA; Osteogenesis Imperfecta Type IV; Osteogenesis imperfecta type 4; Common Variable Osteogenesis Imperfecta with Normal Sclerae. Identifiers: Orphanet 216820, Orphanet 666, MedGen C0268363, MONDO:0008148, OMIM 166220.
Ehlers-Danlos syndrome, arthrochalasia type, 2. Also called: EHLERS-DANLOS SYNDROME, TYPE VIIB, AUTOSOMAL DOMINANT. Identifiers: MedGen CN293783, MONDO:0040501, OMIM 617821.
Osteogenesis imperfecta, perinatal lethal (OI2). Also called: OSTEOGENESIS IMPERFECTA, TYPE II; Osteogenesis imperfecta, dominant perinatal lethal; OI, TYPE II; OSTEOGENESIS IMPERFECTA CONGENITA; Osteogenesis imperfecta type 2; VROLIK TYPE OF OSTEOGENESIS IMPERFECTA. Identifiers: Orphanet 216804, MedGen C0268358, MONDO:0008147, OMIM 166210.
Osteogenesis imperfecta type III (OI3). Also called: Osteogenesis imperfecta type 3; OI type 3; Osteogenesis imperfecta, progressively deforming with normal sclerae; OI type III; Progressively Deforming Osteogenesis Imperfecta. Identifiers: Orphanet 216812, Orphanet 666, MedGen C0268362, MONDO:0009804, OMIM 259420.

Submission:

Juno Genomics, Hangzhou Juno Genomics, Inc
Classification: Likely pathogenic for Osteoporosis; Combined osteogenesis imperfecta and Ehlers-Danlos syndrome 2; Ehlers-Danlos syndrome, arthrochalasia type, 2; Ehlers-Danlos syndrome, cardiac valvular type; Osteogenesis imperfecta, perinatal lethal; Osteogenesis imperfecta type III; Osteogenesis imperfecta with normal sclerae, dominant form. Review status: criteria provided, single submitter. Criteria: ACMG Guidelines, 2015. Collection method: clinical testing. Allele origin: germline. Affected: yes.
Comment: Absent from controls (or at extremely low frequency if recessive) in Genome Aggregation Database.;De novo (both maternity and paternity confirmed) in a patient with the disease and no family history.;Multiple lines of computational evidence support a deleterious effect on the gene or gene product.

NM_000089.4(COL1A2):c.2621G>T (p.Gly874Val)

Gene: COL1A2 (collagen type I alpha 2 chain; plus strand). Cytogenetic location: 7q21.3.
Variant type: single nucleotide variant.
Coding change: c.2621G>T on transcript NM_000089.4 (MANE Select); coding-DNA position 2621, G replaced by T.
Protein change: p.Gly874Val; replaces glycine 874 with valine.
Molecular consequence: missense variant.
Genome position (GRCh38, 1-based): chr7:94,424,391, G>T. VCF-style: chr7-94424391-G-T. GRCh37 (hg19) VCF-style: chr7-94053703-G-T.
Other names: short protein forms G874V.
Identifiers: ClinVar variation 5019538 (VCV005019538.1).